The following is an entry in ClinVar:

NM_001376.5(DYNC1H1):c.6406-4G>A

Gene: DYNC1H1 (dynein cytoplasmic 1 heavy chain 1; plus strand). Cytogenetic location: 14q32.31.
Variant type: single nucleotide variant.
Coding change: c.6406-4G>A on transcript NM_001376.5 (MANE Select); 4 bases into the intron before coding-DNA position 6406, G replaced by A.
Molecular consequence: intron variant.
Genome position (GRCh38, 1-based): chr14:102,010,736, G>A. VCF-style: chr14-102010736-G-A. GRCh37 (hg19) VCF-style: chr14-102477073-G-A.
Identifiers: ClinVar variation 415320 (VCV000415320.36), dbSNP rs374602014, ClinGen allele CA7352622.

ClinVar aggregate classification (germline): Likely benign. Review status: criteria provided, multiple submitters, no conflicts (2 of 4 stars). 5 submissions from 5 submitters: Likely benign (4). 1 of the submissions does not count toward it. Last evaluated 2026-02-14.

Conditions:
DYNC1H1-related disorder. Also called: DYNC1H1-related condition; DYNC1H1-related disorders. Identifiers: MedGen CN381529.
Charcot-Marie-Tooth disease type 4. Also called: Charcot-Marie-Tooth, Type 4; Charcot-Marie-Tooth disease, type IV. Identifiers: Orphanet 64749, MedGen C4082197, MONDO:0018995.
Charcot-Marie-Tooth disease axonal type 2O. Also called: Charcot-Marie-Tooth disease, axonal, type 20; CHARCOT-MARIE-TOOTH NEUROPATHY, AXONAL, TYPE 2O; CHARCOT-MARIE-TOOTH DISEASE, AXONAL, AUTOSOMAL DOMINANT, TYPE 2O; Charcot-Marie-Tooth Neuropathy Type 2O. Identifiers: Orphanet 284232, MedGen C3280220, MONDO:0013644, OMIM 614228.

Allele frequency attached by ClinVar (database versions not stated): TOPMed 0.00001; ESP Exome Variant Server 0.00015; 1000 Genomes Project 30x 0.00016; 1000 Genomes Project 0.00020.
gnomAD v4.1: 14 of 1,612,396 alleles (0.00087%); highest among the groups gnomAD compares: South Asian, 0.0055%; 1 homozygote.

Submissions (5):

PreventionGenetics, part of Exact Sciences
Classification: Likely benign for DYNC1H1-related condition. Last evaluated: 2026-02-14. Review status: criteria provided, single submitter. Criteria: ACMG Guidelines, 2015. Collection method: clinical testing. Allele origin: germline.
Comment: This variant is classified as likely benign based on ACMG/AMP sequence variant interpretation guidelines (Richards et al. 2015 PMID: 25741868, with internal and published modifications).

Labcorp Genetics (formerly Invitae), Labcorp
Classification: Likely benign for Charcot-Marie-Tooth disease axonal type 2O. Last evaluated: 2025-10-20. Review status: criteria provided, single submitter. Criteria: Invitae Variant Classification Sherloc (09022015). Collection method: clinical testing. Allele origin: germline.

CeGaT Center for Human Genetics Tuebingen
Classification: Likely benign. Last evaluated: 2023-04-01. Review status: criteria provided, single submitter. Criteria: CeGaT Center For Human Genetics Tuebingen Variant Classification Criteria Version 2. Collection method: clinical testing. Allele origin: germline. Affected: yes. Observed: 1 variant allele.
Comment: DYNC1H1: BP4

Blueprint Genetics
Classification: Likely benign. Last evaluated: 2019-10-11. Review status: criteria provided, single submitter. Criteria: ACMG Guidelines, 2015. Collection method: clinical testing. Allele origin: germline.

Genesis Genome Database
Classification: Uncertain significance for Charcot-Marie-Tooth disease type 4. Last evaluated: 2019-08-14. Review status: no assertion criteria provided. Collection method: research. Allele origin: germline. Affected: yes. Not counted in ClinVar's aggregate classification.